The following is an entry in ClinVar:

NM_017662.5(TRPM6):c.3688A>G (p.Thr1230Ala)

Gene: TRPM6 (transient receptor potential cation channel subfamily M member 6; minus strand). Cytogenetic location: 9q21.13.
Variant type: single nucleotide variant.
Coding change: c.3688A>G on transcript NM_017662.5 (MANE Select); coding-DNA position 3688, A replaced by G.
Protein change: p.Thr1230Ala; replaces threonine 1230 with alanine.
Molecular consequence: missense variant.
Genome position (GRCh38, 1-based): chr9:74,762,983, T>C on the plus strand (A>G on the coding strand, the complement: TRPM6 is on the minus strand). VCF-style: chr9-74762983-T-C. GRCh37 (hg19) VCF-style: chr9-77377899-T-C.
Other names: c.3673A>G, p.Thr1225Ala (NM_001177310.2, NM_001177311.2); short protein forms T1225A, T1230A.
Identifiers: ClinVar variation 2119984 (VCV002119984.4), dbSNP rs2489897692, ClinGen allele CA373687910.

ClinVar aggregate classification (germline): Uncertain significance (1 of 4 stars; one submission).

Submission:

Labcorp Genetics (formerly Invitae), Labcorp
Classification: Uncertain significance. Last evaluated: 2022-03-31. Review status: criteria provided, single submitter. Criteria: Invitae Variant Classification Sherloc (09022015). Collection method: clinical testing. Allele origin: germline.
Comment: Algorithms developed to predict the effect of missense changes on protein structure and function are either unavailable or do not agree on the potential impact of this missense change (SIFT: "Deleterious"; PolyPhen-2: "Benign"; Align-GVGD: "Class C0"). In summary, the available evidence is currently insufficient to determine the role of this variant in disease. Therefore, it has been classified as a Variant of Uncertain Significance. This variant has not been reported in the literature in individuals affected with TRPM6-related conditions. This variant is not present in population databases (gnomAD no frequency). This sequence change replaces threonine, which is neutral and polar, with alanine, which is neutral and non-polar, at codon 1230 of the TRPM6 protein (p.Thr1230Ala).